The following is an entry in ClinVar:

NM_001012614.2(CTBP1):c.664G>A (p.Val222Met)

Genes: CTBP1 (C-terminal binding protein 1; minus strand), CTBP1-AS (CTBP1 antisense RNA; plus strand). Cytogenetic location: 4p16.3.
Variant type: single nucleotide variant.
Coding change: c.664G>A on transcript NM_001012614.2 (MANE Select); coding-DNA position 664, G replaced by A.
Protein change: p.Val222Met; replaces valine 222 with methionine.
Molecular consequence: missense variant. On other transcripts: non-coding transcript variant (1).
Genome position (GRCh38, 1-based): chr4:1,216,056, C>T on the plus strand (G>A on the coding strand, the complement: CTBP1 is on the minus strand). VCF-style: chr4-1216056-C-T. GRCh37 (hg19) VCF-style: chr4-1209844-C-T.
Other names: c.697G>A, p.Val233Met (NM_001328.3, NM_001377186.1); c.664G>A, p.Val222Met (NM_001377187.1, NM_001377188.1, NM_001377189.1 and 4 more transcripts); short protein forms V222M, V233M.
Identifiers: ClinVar variation 4873765 (VCV004873765.2).

ClinVar aggregate classification (germline): Uncertain significance (1 of 4 stars; one submission).

gnomAD v4.1: 5 of 1,611,700 alleles (0.00031%); highest among the groups gnomAD compares: Non-Finnish European, 0.00025%; no homozygotes.

Submission:

CeGaT Center for Human Genetics Tuebingen
Classification: Uncertain significance. Last evaluated: 2026-04-01. Review status: criteria provided, single submitter. Criteria: CeGaT Center For Human Genetics Tuebingen Variant Classification Criteria Version 2. Collection method: clinical testing. Allele origin: germline. Affected: yes. Observed: 1 variant allele.
Comment: CTBP1: PP3